The following is an entry in ClinVar:

NM_001083962.2(TCF4):c.*3491C>T

Gene: TCF4 (transcription factor 4; minus strand). Cytogenetic location: 18q21.2.
Variant type: single nucleotide variant.
Coding change: c.*3491C>T on transcript NM_001083962.2 (MANE Select); 3491 bases downstream of the stop codon, C replaced by T.
Molecular consequence: 3 prime UTR variant.
Genome position (GRCh38, 1-based): chr18:55,224,544, G>A on the plus strand (C>T on the coding strand, the complement: TCF4 is on the minus strand). VCF-style: chr18-55224544-G-A. GRCh37 (hg19) VCF-style: chr18-52891775-G-A.
Other names: c.*3491C>T (NM_001243226.3, NM_001243227.2, NM_001243228.2 and 42 more transcripts).
Identifiers: ClinVar variation 327256 (VCV000327256.5), dbSNP rs185402957, ClinGen allele CA10651048.

ClinVar aggregate classification (germline): Benign (1 of 4 stars; one submission).

Conditions:
Pitt-Hopkins syndrome (PTHS). Also called: ENCEPHALOPATHY, SEVERE EPILEPTIC, WITH AUTONOMIC DYSFUNCTION; MENTAL RETARDATION, SYNDROMAL, WITH INTERMITTENT HYPERVENTILATION. Identifiers: Orphanet 2896, MedGen C1970431, MONDO:0012589, OMIM 610954.

Allele frequency attached by ClinVar (database versions not stated): TOPMed 0.00125; 1000 Genomes Project 30x 0.00047; 1000 Genomes Project 0.00060; gnomAD 0.00112 and 0.00120.

Submission:

Illumina Laboratory Services, Illumina
Classification: Benign for Pitt-Hopkins syndrome. Last evaluated: 2018-01-13. Review status: criteria provided, single submitter. Criteria: ICSL Variant Classification Criteria 13 December 2019. Collection method: clinical testing. Allele origin: germline.
Comment: This variant was observed in the ICSL laboratory as part of a predisposition screen in an ostensibly healthy population. It had not been previously curated by ICSL or reported in the Human Gene Mutation Database (HGMD: prior to June 1st, 2018), and was therefore a candidate for classification through an automated scoring system. Utilizing variant allele frequency, disease prevalence and penetrance estimates, and inheritance mode, an automated score was calculated to assess if this variant is too frequent to cause the disease. Based on the score and internal cut-off values, a variant classified as benign is not then subjected to further curation. The score for this variant resulted in a classification of benign for this disease.